The following is an entry in ClinVar:

ClinVar aggregate classification (germline): Uncertain significance. Review status: criteria provided, multiple submitters, no conflicts (2 of 4 stars). 2 submissions from 2 submitters: Uncertain significance (2). Last evaluated 2024-03-01.

Conditions:
Inborn genetic diseases. Identifiers: MedGen C0950123, MeSH D030342.

Allele frequency attached by ClinVar (database versions not stated): gnomAD exomes 0.00001 and 0.00003; ExAC 0.00002; gnomAD 0.00002; TOPMed 0.00003; 1000 Genomes Project 0.00020; 1000 Genomes Project 30x 0.00031.
gnomAD v4.1: 18 of 1,612,844 alleles (0.0011%); highest among the groups gnomAD compares: South Asian, 0.013%; no homozygotes.

Submissions (2):

Ambry Genetics
Classification: Uncertain significance for Inborn genetic diseases. Last evaluated: 2024-03-01. Review status: criteria provided, single submitter. Criteria: Ambry Variant Classification Scheme 2023. Collection method: clinical testing. Allele origin: germline.
Comment: The p.M820V variant (also known as c.2458A>G), located in coding exon 17 of the MIB1 gene, results from an A to G substitution at nucleotide position 2458. The methionine at codon 820 is replaced by valine, an amino acid with highly similar properties. This amino acid position is conserved. In addition, this alteration is predicted to be tolerated by in silico analysis. Since supporting evidence is limited at this time, the clinical significance of this alteration remains unclear.

GeneDx
Classification: Uncertain significance. Last evaluated: 2022-08-19. Review status: criteria provided, single submitter. Criteria: GeneDx Variant Classification Process June 2021. Collection method: clinical testing. Allele origin: germline. Affected: yes.
Comment: Has not been previously published as pathogenic or benign to our knowledge; In silico analysis supports that this missense variant does not alter protein structure/function

NM_020774.4(MIB1):c.2458A>G (p.Met820Val)

Gene: MIB1 (MIB E3 ubiquitin protein ligase 1; plus strand). Cytogenetic location: 18q11.2.
Variant type: single nucleotide variant.
Coding change: c.2458A>G on transcript NM_020774.4 (MANE Select); coding-DNA position 2458, A replaced by G.
Protein change: p.Met820Val; replaces methionine 820 with valine.
Molecular consequence: missense variant.
Genome position (GRCh38, 1-based): chr18:21,849,260, A>G. VCF-style: chr18-21849260-A-G. GRCh37 (hg19) VCF-style: chr18-19429221-A-G.
Other names: short protein forms M820V.
Identifiers: ClinVar variation 1702663 (VCV001702663.4), dbSNP rs574146329, ClinGen allele CA8908618.